The following is an entry in ClinVar:

ClinVar aggregate classification (germline): Uncertain significance. Review status: criteria provided, multiple submitters, no conflicts (2 of 4 stars). 2 submissions from 2 submitters: Uncertain significance (2). Last evaluated 2024-11-05.

Conditions:
Inborn genetic diseases. Identifiers: MedGen C0950123, MeSH D030342.
Cowden syndrome (CS). Also called: Cowden's disease; Cowden's syndrome; Cowden disease. Identifiers: Orphanet 201, MedGen C0018553, MONDO:0016063. Disease mechanism: gain of function.

Allele frequency attached by ClinVar (database versions not stated): gnomAD exomes below 0.00001.
gnomAD v4.1: 2 of 1,613,986 alleles (0.00012%); highest among the groups gnomAD compares: Non-Finnish European, 0.00017%; no homozygotes.

Submissions (2):

Ambry Genetics
Classification: Uncertain significance for Inborn genetic diseases. Last evaluated: 2024-11-05. Review status: criteria provided, single submitter. Criteria: Ambry Variant Classification Scheme 2023. Collection method: clinical testing. Allele origin: germline.
Comment: The p.N284S variant (also known as c.851A>G), located in coding exon 4 of the PIK3CA gene, results from an A to G substitution at nucleotide position 851. The asparagine at codon 284 is replaced by serine, an amino acid with highly similar properties. This amino acid position is conserved. In addition, this alteration is predicted to be tolerated by in silico analysis. Based on the available evidence, the clinical significance of this variant remains unclear.

Labcorp Genetics (formerly Invitae), Labcorp
Classification: Uncertain significance for Cowden syndrome. Last evaluated: 2022-09-23. Review status: criteria provided, single submitter. Criteria: Invitae Variant Classification Sherloc (09022015). Collection method: clinical testing. Allele origin: germline.
Comment: This sequence change replaces asparagine, which is neutral and polar, with serine, which is neutral and polar, at codon 284 of the PIK3CA protein (p.Asn284Ser). In summary, the available evidence is currently insufficient to determine the role of this variant in disease. Therefore, it has been classified as a Variant of Uncertain Significance. Algorithms developed to predict the effect of missense changes on protein structure and function (SIFT, PolyPhen-2, Align-GVGD) all suggest that this variant is likely to be tolerated. This variant has not been reported in the literature in individuals affected with PIK3CA-related conditions. This variant is not present in population databases (gnomAD no frequency).

NM_006218.4(PIK3CA):c.851A>G (p.Asn284Ser)

Gene: PIK3CA (phosphatidylinositol-4,5-bisphosphate 3-kinase catalytic subunit alpha; plus strand). Cytogenetic location: 3q26.32.
Variant type: single nucleotide variant.
Coding change: c.851A>G on transcript NM_006218.4 (MANE Select); coding-DNA position 851, A replaced by G.
Protein change: p.Asn284Ser; replaces asparagine 284 with serine.
Molecular consequence: missense variant.
Genome position (GRCh38, 1-based): chr3:179,203,581, A>G. VCF-style: chr3-179203581-A-G. GRCh37 (hg19) VCF-style: chr3-178921369-A-G.
Other names: short protein forms N284S.
Identifiers: ClinVar variation 2061472 (VCV002061472.5), dbSNP rs2108392622, ClinGen allele CA355279849.